The following is an entry in ClinVar:

NM_000188.3(HK1):c.875+21del

Gene: HK1 (hexokinase 1; plus strand). Cytogenetic location: 10q22.1.
Variant type: Deletion.
Coding change: c.875+21del on transcript NM_000188.3 (MANE Select); 21 bases into the intron after coding-DNA position 875, one base deleted (T; older notation c.875+21delT).
Molecular consequence: intron variant.
Genome position (GRCh38, 1-based): chr10:69,369,645, T deleted; the last of 2 consecutive T bases (chr10:69,369,644-69,369,645); deleting either gives the same sequence. VCF-style (leftmost placement, unchanged base first): chr10-69369643-CT-C. GRCh37 (hg19) VCF-style: chr10-71129399-CT-C.
Other names: c.839+21del (NM_033500.2); c.980+21del (NM_001322365.2); c.887+21del (NM_033498.3, NM_033497.3, NM_001322364.2 and 1 more transcripts); c.872+21del (NM_033496.3); c.791+21del (NM_001322366.1); c.779+21del (NM_001322367.1); c.875+21delT (NM_000188.3).
Identifiers: ClinVar variation 1651705 (VCV001651705.11), dbSNP rs753327473, ClinGen allele CA5532436.
Genomic context (GRCh38, chr10:69,369,643, plus strand): 5'-CAGGGAGATAGACCGGGGATCCCTCAACCCTGGAAAACAGCTGTGAGTCCTTGACTTTTG[CT>C]TCTAACCACATATGTGAGTTAGGGGACATTTGATGAAAGATTTGGGATGGGAGATGAAAA-3'

ClinVar aggregate classification (germline): Likely benign. Review status: criteria provided, multiple submitters, no conflicts (2 of 4 stars). 3 submissions from 3 submitters: Likely benign (3). Last evaluated 2025-01-14.

Submissions (3):

Women's Health and Genetics/Laboratory Corporation of America, LabCorp
Classification: Likely benign. Last evaluated: 2025-01-14. Review status: criteria provided, single submitter. Criteria: LabCorp Variant Classification Summary - May 2015. Collection method: clinical testing. Allele origin: germline.
Comment: Variant summary: HK1 c.875+21delT is located at a position not widely known to affect splicing. Consensus agreement among computation tools predict no significant impact on normal splicing. However, these predictions have yet to be confirmed by functional studies. The variant allele was found at a frequency of 3.7e-05 in 244762 control chromosomes. The available data on variant occurrences in the general population are insufficient to allow any conclusion about variant significance. To our knowledge, no occurrence of c.875+21delT in individuals affected with Hemolytic anemia due to hexokinase deficiency and no experimental evidence demonstrating its impact on protein function have been reported. ClinVar contains an entry for this variant (Variation ID: 1651705). Based on the evidence outlined above, the variant was classified as likely benign.

Labcorp Genetics (formerly Invitae), Labcorp
Classification: Likely benign. Last evaluated: 2023-06-23. Review status: criteria provided, single submitter. Criteria: Invitae Variant Classification Sherloc (09022015). Collection method: clinical testing. Allele origin: germline.

Blueprint Genetics
Classification: Likely benign. Last evaluated: 2022-09-22. Review status: criteria provided, single submitter. Criteria: ACMG Guidelines, 2015. Collection method: clinical testing. Allele origin: germline.